The following is an entry in ClinVar:

NM_002471.4(MYH6):c.2647C>T (p.Leu883=)

Gene: MYH6 (myosin heavy chain 6; minus strand). Cytogenetic location: 14q11.2.
Variant type: single nucleotide variant.
Coding change: c.2647C>T on transcript NM_002471.4 (MANE Select); coding-DNA position 2647, C replaced by T.
Protein change: p.Leu883=; no amino-acid change (leucine 883 retained).
Molecular consequence: synonymous variant.
Genome position (GRCh38, 1-based): chr14:23,394,106, G>A on the plus strand (C>T on the coding strand, the complement: MYH6 is on the minus strand). VCF-style: chr14-23394106-G-A. GRCh37 (hg19) VCF-style: chr14-23863315-G-A.
Identifiers: ClinVar variation 4987462 (VCV004987462.1).

ClinVar aggregate classification (germline): Likely benign (1 of 4 stars; one submission).

Conditions:
MYH6-related disorder. Also called: MYH6-Related Disorders; MYH6-related condition.

gnomAD v4.1: 1 of 1,614,202 alleles (0.000062%); highest among the groups gnomAD compares: Admixed American, 0.0017%; no homozygotes.

Submission:

PreventionGenetics, part of Exact Sciences
Classification: Likely benign for MYH6-related condition. Last evaluated: 2026-05-09. Review status: criteria provided, single submitter. Criteria: ACMG Guidelines, 2015. Collection method: clinical testing. Allele origin: germline.
Comment: This variant is classified as likely benign based on ACMG/AMP sequence variant interpretation guidelines (Richards et al. 2015 PMID: 25741868, with internal and published modifications).